The following is an entry in ClinVar:

NM_002439.5(MSH3):c.2879C>T (p.Ala960Val)

Gene: MSH3 (mutS homolog 3; plus strand). Cytogenetic location: 5q14.1.
Variant type: single nucleotide variant.
Coding change: c.2879C>T on transcript NM_002439.5 (MANE Select); coding-DNA position 2879, C replaced by T.
Protein change: p.Ala960Val; replaces alanine 960 with valine.
Molecular consequence: missense variant.
Genome position (GRCh38, 1-based): chr5:80,854,195, C>T. VCF-style: chr5-80854195-C-T. GRCh37 (hg19) VCF-style: chr5-80150014-C-T.
Other names: short protein forms A960V.
Identifiers: ClinVar variation 1040664 (VCV001040664.12), dbSNP rs1745877870, ClinGen allele CA360275602.
Genomic context (GRCh38, chr5:80,854,195, plus strand): 5'-GTGCTGCAGACAATATATATAAAGGACAGAGTACATTTATGGAAGAACTGACTGACACAG[C>T]AGAAATAATCAGAAAAGCAACATCACAGTCCTTGGTTATCTTGGATGAACTAGGAAGAGG-3'
Protein context (NP_002430.3, residues 950-970): STFMEELTDT[Ala960Val]EIIRKATSQS

ClinVar aggregate classification (germline): Uncertain significance. Review status: criteria provided, multiple submitters, no conflicts (2 of 4 stars). 2 submissions from 2 submitters: Uncertain significance (2). Last evaluated 2025-01-14.

Conditions:
Hereditary cancer-predisposing syndrome. Also called: Hereditary Cancer Syndrome; Tumor predisposition; Hereditary neoplastic syndrome; Neoplastic Syndromes, Hereditary. Identifiers: Orphanet 140162, MedGen C0027672, MeSH D009386, MONDO:0015356.

Submissions (2):

Ambry Genetics
Classification: Uncertain significance for Hereditary cancer-predisposing syndrome. Last evaluated: 2025-01-14. Review status: criteria provided, single submitter. Criteria: Ambry Variant Classification Scheme 2023. Collection method: clinical testing. Allele origin: germline.
Comment: The p.A960V variant (also known as c.2879C>T), located in coding exon 21 of the MSH3 gene, results from a C to T substitution at nucleotide position 2879. The alanine at codon 960 is replaced by valine, an amino acid with similar properties. This amino acid position is conserved. In addition, the in silico prediction for this alteration is inconclusive. Since supporting evidence is limited at this time, the clinical significance of this alteration remains unclear.

Labcorp Genetics (formerly Invitae), Labcorp
Classification: Uncertain significance. Last evaluated: 2022-10-07. Review status: criteria provided, single submitter. Criteria: Invitae Variant Classification Sherloc (09022015). Collection method: clinical testing. Allele origin: germline.
Comment: In summary, the available evidence is currently insufficient to determine the role of this variant in disease. Therefore, it has been classified as a Variant of Uncertain Significance. Algorithms developed to predict the effect of missense changes on protein structure and function are either unavailable or do not agree on the potential impact of this missense change (SIFT: "Tolerated"; PolyPhen-2: "Probably Damaging"; Align-GVGD: "Class C0"). ClinVar contains an entry for this variant (Variation ID: 1040664). This variant has not been reported in the literature in individuals affected with MSH3-related conditions. This variant is not present in population databases (gnomAD no frequency). This sequence change replaces alanine, which is neutral and non-polar, with valine, which is neutral and non-polar, at codon 960 of the MSH3 protein (p.Ala960Val).